The following is an entry in ClinVar:

NM_004329.3(BMPR1A):c.1167-2A>G

Gene: BMPR1A (bone morphogenetic protein receptor type 1A; plus strand). Cytogenetic location: 10q23.2.
Variant type: single nucleotide variant.
Coding change: c.1167-2A>G on transcript NM_004329.3 (MANE Select); the canonical splice acceptor site of the intron before coding-DNA position 1167, A replaced by G.
Molecular consequence: splice acceptor variant.
Genome position (GRCh38, 1-based): chr10:86,921,518, A>G. VCF-style: chr10-86921518-A-G. GRCh37 (hg19) VCF-style: chr10-88681275-A-G.
Other names: c.1167-2A>G (NM_001406581.1, NM_001406561.1, NM_001406579.1 and 19 more transcripts); c.1083-2A>G (NM_001406584.1, NM_001406588.1, NM_001406587.1 and 2 more transcripts); c.1215-2A>G (NM_001406560.1); c.1242-2A>G (NM_001406559.1); c.1161-2A>G (NM_001406583.1); c.825-2A>G (NM_001406589.1).
Identifiers: ClinVar variation 950069 (VCV000950069.10), dbSNP rs1843664505, ClinGen allele CA377461791.
Genomic context (GRCh38, chr10:86,921,518, plus strand): 5'-ATACAAGATAAACTATTTTATTTTTGGCCCTCAACTTGGACCTTGGCTTTCTTTTGTTTC[A>G]GTGACACAAATGAAGTTGATGTGCCCTTGAATACCAGGGTGGGCACCAAACGCTACATGG-3'

ClinVar aggregate classification (germline): Pathogenic (1 of 4 stars; one submission).

Conditions:
Juvenile polyposis syndrome (JPS). Identifiers: Orphanet 2929, MedGen C0345893, MONDO:0017380, OMIM 174900.

Submission:

Labcorp Genetics (formerly Invitae), Labcorp
Classification: Pathogenic for Juvenile polyposis syndrome. Last evaluated: 2022-09-20. Review status: criteria provided, single submitter. Criteria: Invitae Variant Classification Sherloc (09022015). Collection method: clinical testing. Allele origin: germline.
Comment: This sequence change affects an acceptor splice site in intron 10 of the BMPR1A gene. It is expected to disrupt RNA splicing. Variants that disrupt the donor or acceptor splice site typically lead to a loss of protein function (PMID: 16199547), and loss-of-function variants in BMPR1A are known to be pathogenic (PMID: 11536076, 12417513). This variant is not present in population databases (gnomAD no frequency). Disruption of this splice site has been observed in individual(s) with juvenile polyposis syndrome (Invitae). It has also been observed to segregate with disease in related individuals. ClinVar contains an entry for this variant (Variation ID: 950069). Algorithms developed to predict the effect of sequence changes on RNA splicing suggest that this variant may disrupt the consensus splice site. For these reasons, this variant has been classified as Pathogenic.

Literature cited by the submitters: PubMed 16199547; PubMed 11536076; PubMed 12417513.